The following is an entry in ClinVar:

NM_004006.3(DMD):c.3162+4A>G

Gene: DMD (dystrophin; minus strand). Cytogenetic location: Xp21.1.
Variant type: single nucleotide variant.
Coding change: c.3162+4A>G on transcript NM_004006.3 (MANE Select); 4 bases into the intron after coding-DNA position 3162, A replaced by G.
Molecular consequence: intron variant.
Genome position (GRCh38, 1-based): chrX:32,468,494, T>C on the plus strand (A>G on the coding strand, the complement: DMD is on the minus strand). VCF-style: chrX-32468494-T-C. GRCh37 (hg19) VCF-style: chrX-32486611-T-C.
Other names: c.3138+4A>G (NM_000109.4); c.3150+4A>G (NM_004009.3); c.2793+4A>G (NM_004010.3).
Identifiers: ClinVar variation 281971 (VCV000281971.23), dbSNP rs189048508, ClinGen allele CA10379351.

ClinVar aggregate classification (germline): Conflicting classifications of pathogenicity. Review status: criteria provided, conflicting classifications (1 of 4 stars). 7 submissions from 7 submitters: Uncertain significance (2); Benign (1); Likely benign (4). Last evaluated 2026-02-16.

Conditions:
DMD-related disorder. Also called: DMD-related condition.
Cardiovascular phenotype. Identifiers: MedGen CN230736.
Duchenne muscular dystrophy (DMD). Also called: Duchenne Muscular Dystrophy (DMD); MUSCULAR DYSTROPHY, PSEUDOHYPERTROPHIC PROGRESSIVE, DUCHENNE TYPE. Identifiers: Orphanet 98896, MedGen C0013264, MONDO:0010679, OMIM 310200.

Allele frequency attached by ClinVar (database versions not stated): gnomAD exomes 0.00004 and 0.00011; ExAC 0.00025; gnomAD 0.00046 and 0.00048; TOPMed 0.00055; ESP Exome Variant Server 0.00057; 1000 Genomes Project 30x 0.00104; 1000 Genomes Project 0.00106.
gnomAD v4.1: 100 of 1,194,470 alleles (0.0084%); highest among the groups gnomAD compares: African/African-American, 0.15%; no homozygotes.

Submissions (7):

PreventionGenetics, part of Exact Sciences
Classification: Likely benign for DMD-related condition. Last evaluated: 2026-02-16. Review status: criteria provided, single submitter. Criteria: ACMG Guidelines, 2015. Collection method: clinical testing. Allele origin: germline.
Comment: This variant is classified as likely benign based on ACMG/AMP sequence variant interpretation guidelines (Richards et al. 2015 PMID: 25741868, with internal and published modifications).

Labcorp Genetics (formerly Invitae), Labcorp
Classification: Likely benign for Duchenne muscular dystrophy. Last evaluated: 2026-01-27. Review status: criteria provided, single submitter. Criteria: Invitae Variant Classification Sherloc (09022015). Collection method: clinical testing. Allele origin: germline.

Molecular Diagnostic Laboratory for Inherited Cardiovascular Disease, Montreal Heart Institute
Classification: Likely benign. Last evaluated: 2025-07-24. Review status: criteria provided, single submitter. Criteria: ACMG Guidelines, 2015. Collection method: clinical testing. Allele origin: germline. Affected: no.
Comment: BS1;BP5

Women's Health and Genetics/Laboratory Corporation of America, LabCorp
Classification: Benign. Last evaluated: 2024-03-03. Review status: criteria provided, single submitter. Criteria: LabCorp Variant Classification Summary - May 2015. Collection method: clinical testing. Allele origin: germline.

Ambry Genetics
Classification: Likely benign for Cardiovascular phenotype. Last evaluated: 2019-05-01. Review status: criteria provided, single submitter. Criteria: Ambry Variant Classification Scheme 2023. Collection method: clinical testing. Allele origin: germline.

GeneDx
Classification: Uncertain significance. Last evaluated: 2017-07-27. Review status: criteria provided, single submitter. Criteria: GeneDx Variant Classification (06012015). Collection method: clinical testing. Allele origin: germline. Affected: yes.
Comment: The c.3162+4 A>G variant has not been published as a pathogenic variant, nor has it been reported as a benign variant to our knowledge. The c.3162+4 A>G variant is observed in 8/5,242 (0.15%) alleles from individuals of African background, including 1 hemizygous individual in large population cohorts (Lek et al., 2016; 1000 Genomes Consortium et al., 2015; Exome Variant Server). Multiple in-silico algorithms predict that c.3162+4 A>G may damage the natural splice donor site of intron 23 and lead to abnormal gene splicing. However, in the absence of RNA/functional studies, the actual effect of this sequence change in this individual is unknown.

Eurofins Ntd Llc (ga)
Classification: Uncertain significance. Last evaluated: 2016-10-19. Review status: criteria provided, single submitter. Criteria: EGL Classification Definitions 2015. Collection method: clinical testing. Allele origin: germline. Observed: 2 variant alleles, 2 hemizygotes.

Literature cited by the submitters: PubMed 26743743 (cited by Ambry Genetics).